The following is an entry in ClinVar:

ClinVar aggregate classification (germline): Likely benign (1 of 4 stars; one submission).

Allele frequency attached by ClinVar (database versions not stated): ESP Exome Variant Server 0.00092; gnomAD 0.00095; TOPMed 0.00101; ExAC 0.00123.
gnomAD v4.1: 1,323 of 1,613,952 alleles (0.082%); highest among the groups gnomAD compares: Non-Finnish European, 0.026%; 9 homozygotes.

Submission:

CeGaT Center for Human Genetics Tuebingen
Classification: Likely benign. Last evaluated: 2023-04-01. Review status: criteria provided, single submitter. Criteria: CeGaT Center For Human Genetics Tuebingen Variant Classification Criteria Version 2. Collection method: clinical testing. Allele origin: germline. Affected: yes. Observed: 1 variant allele.
Comment: CLCA2: BP4, BP7

NM_006536.7(CLCA2):c.909G>A (p.Ser303=)

Gene: CLCA2 (chloride channel accessory 2; plus strand). Cytogenetic location: 1p22.3.
Variant type: single nucleotide variant.
Coding change: c.909G>A on transcript NM_006536.7 (MANE Select); coding-DNA position 909, G replaced by A.
Protein change: p.Ser303=; no amino-acid change (serine 303 retained).
Molecular consequence: synonymous variant.
Genome position (GRCh38, 1-based): chr1:86,434,682, G>A. VCF-style: chr1-86434682-G-A. GRCh37 (hg19) VCF-style: chr1-86900365-G-A.
Identifiers: ClinVar variation 2638909 (VCV002638909.24), dbSNP rs34979893, ClinGen allele CA933888.